The following is an entry in ClinVar:

NC_000011.10:g.47333332dup

Gene: MYBPC3 (myosin binding protein C3; minus strand). Cytogenetic location: 11p11.2.
Variant type: Duplication.
Genome position: GRCh38 VCF-style: chr11-47333331-T-TG. GRCh37 (hg19) VCF-style: chr11-47354882-T-TG.
Other names: p.Lys1065GlnfsX12; c.3192dupC (NM_000256.3); c.3192dup, p.Lys1065fs (NM_000256.3); short protein forms K1065fs.
Identifiers: ClinVar variation 42693 (VCV000042693.28), dbSNP rs397516007, ClinGen allele CA013666.

ClinVar aggregate classification (germline): Pathogenic. Review status: criteria provided, multiple submitters, no conflicts (2 of 4 stars). 10 submissions from 10 submitters: Pathogenic (8). 2 of the submissions do not count toward it. Last evaluated 2026-02-01.

Conditions:
Cardiovascular phenotype. Identifiers: MedGen CN230736.
Cardiomyopathy (CMYO). Also called: Cardiomyopathies. Identifiers: Orphanet 167848, MedGen C0878544, MONDO:0004994, HP:0001638. Inheritance: Various modes of inheritance.
Hypertrophic cardiomyopathy 4. Also called: Familial hypertrophic cardiomyopathy 4. Identifiers: MedGen C1861862, MONDO:0007268, OMIM 115197.
Heart failure. Identifiers: MedGen C0018801, MONDO:0005252.
Hypertrophic cardiomyopathy. Also called: HYPERTROPHIC MYOCARDIOPATHY. Identifiers: Orphanet 217569, MedGen C0007194, MeSH D002312, MONDO:0005045, HP:0001639.

Allele frequency attached by ClinVar (database versions not stated): gnomAD exomes below 0.00001; TOPMed below 0.00001.

Submissions 1 to 9 of 10:

Labcorp Genetics (formerly Invitae), Labcorp
Classification: Pathogenic for Hypertrophic cardiomyopathy. Last evaluated: 2026-02-01. Review status: criteria provided, single submitter. Criteria: Invitae Variant Classification Sherloc (09022015). Collection method: clinical testing. Allele origin: germline.
Comment: This sequence change creates a premature translational stop signal (p.Lys1065Glnfs*12) in the MYBPC3 gene. It is expected to result in an absent or disrupted protein product. Loss-of-function variants in MYBPC3 are known to be pathogenic (PMID: 19574547). This variant is not present in population databases (gnomAD no frequency). This premature translational stop signal has been observed in individuals with HCM (PMID: 11499719, 16858239, 20359594, 23674513, 27483260, 28408708). It has also been observed to segregate with disease in related individuals. ClinVar contains an entry for this variant (Variation ID: 42693). For these reasons, this variant has been classified as Pathogenic.

Molecular Diagnostic Laboratory for Inherited Cardiovascular Disease, Montreal Heart Institute
Classification: Pathogenic for Cardiovascular phenotype. Last evaluated: 2025-11-21. Review status: criteria provided, single submitter. Criteria: ACMG Guidelines, 2015. Collection method: clinical testing. Allele origin: germline. Affected: yes.
Comment: PVS1, PS4, PP1_strong, PM2

Victorian Clinical Genetics Services, Murdoch Childrens Research Institute
Classification: Pathogenic for Hypertrophic cardiomyopathy 4. Last evaluated: 2025-07-24. Review status: criteria provided, single submitter. Criteria: ACMG Guidelines, 2015. Collection method: clinical testing. Allele origin: germline.
Comment: This variant is classified as Pathogenic. Evidence in support of pathogenic classification: Variant is predicted to cause nonsense-mediated decay (NMD) and loss of protein (premature termination codon is located at least 54 nucleotides upstream of the final exon-exon junction); Variant is present in gnomAD <0.001 for a dominant condition (v4: 1 heterozygote(s), 0 homozygote(s)) ; This variant has strong previous evidence of pathogenicity in unrelated individuals. This variant has been classified as pathogenic by multiple clinical laboratories in ClinVar - Other NMD-predicted variants comparable to the one identified in this case have very strong previous evidence for pathogenicity (DECIPHER). Additional information: This variant is heterozygous; This gene is associated with both recessive and dominant disease. Dominant inheritance is frequently reported in adult onset conditions and recessive inheritance results in a more severe early onset phenotype (OMIM); Loss of function is a known mechanism of disease in this gene and is associated with hypertrophic cardiomyopathy 4 (HCM; MIM#115197); Variants in this gene are known to have variable expressivity (PMID: 32841044); Inheritance information for this variant is not currently available in this individual.

All of Us Research Program, National Institutes of Health
Classification: Pathogenic for Hypertrophic cardiomyopathy. Last evaluated: 2024-01-08. Review status: criteria provided, single submitter. Criteria: ACMG Guidelines, 2015. Collection method: clinical testing. Allele origin: germline. Inheritance: Autosomal dominant inheritance. Observed: 1 variant allele, 1 heterozygote.
Comment: This variant inserts 1 nucleotide in exon 30 of the MYBPC3 gene, creating a frameshift and premature translation stop signal. This variant is expected to result in an absent or non-functional protein product. This variant has been reported in over 10 individuals affected with hypertrophic cardiomyopathy (PMID: 16858239, 20031618, 20173211, 20359594, 21302287, 21835320, 23674513, 25524337, 25611685, 25740977, 26656175, 27483260, 27532257, 28408708, 28615295, 28790153, 29121657, 29710196, 29875424, 30297972, 30550750, 32228044, 32481709, 32841044, 34556856). One of these individuals also carried an additional likely pathogenic variant in the same gene (PMID: 27483260). This variant has also been reported in one individual affected with sudden cardiac death (PMID: 26688388). This variant has not been identified in the general population by the Genome Aggregation Database (gnomAD). Loss of MYBPC3 function is a known mechanism of disease. Based on the available evidence, this variant is classified as Pathogenic.

This study involves interpretation of variants in research participants for the purpose of population health screening. Participant phenotype was not available at the time of variant classification. Additional details can be found in publication PMID: 35346344, PMCID: PMC8962531

Color Diagnostics, LLC DBA Color Health
Classification: Pathogenic for Cardiomyopathy. Last evaluated: 2023-10-24. Review status: criteria provided, single submitter. Criteria: ACMG Guidelines, 2015. Collection method: clinical testing. Allele origin: germline.
Comment: This variant inserts 1 nucleotide in exon 30 of the MYBPC3 gene, creating a frameshift and premature translation stop signal. This variant is expected to result in an absent or non-functional protein product. This variant has been reported in over 10 individuals affected with hypertrophic cardiomyopathy (PMID: 16858239, 20031618, 20173211, 20359594, 21302287, 21835320, 23674513, 25524337, 25611685, 25740977, 26656175, 27483260, 27532257, 28408708, 28615295, 28790153, 29121657, 29710196, 29875424, 30297972, 30550750, 32228044, 32481709, 32841044, 34556856). One of these individuals also carried an additional likely pathogenic variant in the same gene (PMID: 27483260). This variant has also been reported in one individual affected with sudden cardiac death (PMID: 26688388). This variant has not been identified in the general population by the Genome Aggregation Database (gnomAD). Loss of MYBPC3 function is a known mechanism of disease. Based on the available evidence, this variant is classified as Pathogenic.

GeneDx
Classification: Pathogenic. Last evaluated: 2022-02-21. Review status: criteria provided, single submitter. Criteria: GeneDx Variant Classification Process June 2021. Collection method: clinical testing. Allele origin: germline. Affected: yes.
Comment: Segregated with the p.(P371R) missense variant on the same allele (in cis) in multiple affected relatives from one family with HCM (Girolami et al., 2010); Not observed in large population cohorts (gnomAD); Frameshift variant predicted to result in protein truncation or nonsense mediated decay in a gene for which loss-of-function is a known mechanism of disease; This variant is associated with the following publications: (PMID: 32686758, 21302287, 21835320, 23674513, 16858239, 27600940, 28408708, 25740977, 27532257, 29121657, 26656175, 18533079, 29710196, 30550750, 20173211, 20031618, 20359594)

Ambry Genetics
Classification: Pathogenic for Cardiovascular phenotype. Last evaluated: 2021-04-20. Review status: criteria provided, single submitter. Criteria: Ambry General Variant Classification Scheme_2022. Collection method: clinical testing. Allele origin: germline. Observed: 1 variant allele.
Comment: The c.3192dupC pathogenic mutation, located in coding exon 30 of the MYBPC3 gene, results from a duplication of C at nucleotide position 3192, causing a translational frameshift with a predicted alternate stop codon (p.K1065Qfs*12). This alteration (also referred to as insC1065, K1065fs, and c.3192-3193insC in the literature) has been reported in several individuals with hypertrophic cardiomyopathy (HCM) (Girolami F et al. J Cardiovasc Med (Hagerstown). 2006;7(8):601-7; Roncarati R et al. J Cell Physiol. 2011;226(11):2894-900; Witjas-Paalberends ER et al. Cardiovasc Res. 2013;99(3):432-41; Ingles J et al. Circ Cardiovasc Genet. 2017;10(2)), and has been reported to segregate with disease in families (Girolami F et al. J Am Coll Cardiol. 2010;55(14):1444-53; Ross SB et al. Circ Cardiovasc Genet. 2017 Jun;10(3)). In addition to the clinical data presented in the literature, this alteration is expected to result in loss of function by premature protein truncation or nonsense-mediated mRNA decay. As such, this alteration is interpreted as a disease-causing mutation.

Laboratory for Molecular Medicine, Mass General Brigham Personalized Medicine
Classification: Pathogenic for Hypertrophic cardiomyopathy. Last evaluated: 2014-12-16. Review status: criteria provided, single submitter. Criteria: LMM Criteria. Collection method: clinical testing. Allele origin: germline. Inheritance: Autosomal dominant inheritance. Observed: 6 variant alleles.
Comment: The p.Lys1065fs variant in MYBPC3 has been reported in at least 4 individuals wi th HCM and segregated with disease in 2 affected relatives from 1 family (Girola mi 2006*, Girolami 2010*, Olivotto 2011*, Witjas-Paalberends 2013; *note that th ese manuscripts contain overlapping cohorts). This variant has also been identif ied by our laboratory in 3 individuals with HCM. Data from large population stud ies is insufficient to assess the frequency of this variant. The p.Lys1065fs var iant is predicted to cause a frameshift, which alters the protein?s amino acid s equence beginning at position 1065 and leads to a premature termination codon 12 amino acids downstream. This alteration is then predicted to lead to a truncate d or absent protein. Heterozygous loss-of-function of the MYBPC3 gene is an esta blished disease mechanism in individuals with HCM. In summary, this variant meet s our criteria to be classified as pathogenic for HCM in an autosomal dominant m anner.

Clinical Genetics Laboratory, Skane University Hospital Lund
Classification: Pathogenic for Heart failure. Last evaluated: 2026-04-09. Review status: no assertion criteria provided. Collection method: clinical testing. Allele origin: germline. Affected: yes. Not counted in ClinVar's aggregate classification.
Comment: Assessed according to the ClinGen Cardiomyopathy Expert Panel Specifications to the ACMG/AMP Variant Interpretation Guidelines for MYBPC3 Version 1.0.0. Applied criteria: PVS1, PS4, PM2_supporting.